The following is an entry in ClinVar:

NM_001367624.2(ZNF469):c.3096C>A (p.Pro1032=)

Gene: ZNF469 (zinc finger protein 469; plus strand). Cytogenetic location: 16q24.2.
Variant type: single nucleotide variant.
Coding change: c.3096C>A on transcript NM_001367624.2 (MANE Select); coding-DNA position 3096, C replaced by A.
Protein change: p.Pro1032=; no amino-acid change (proline 1032 retained).
Molecular consequence: synonymous variant.
Genome position (GRCh38, 1-based): chr16:88,430,566, C>A. VCF-style: chr16-88430566-C-A. GRCh37 (hg19) VCF-style: chr16-88496974-C-A.
Other names: NM_001127464.1:c.3096C>A; NM_001127464.2:c.3096C>A.
Identifiers: ClinVar variation 1727511 (VCV001727511.7), dbSNP rs886813967, ClinGen allele CA497354097.

ClinVar aggregate classification (germline): Likely benign. Review status: criteria provided, multiple submitters, no conflicts (2 of 4 stars). 3 submissions from 3 submitters: Likely benign (2). 1 of the submissions does not count toward it. Last evaluated 2025-03-27.

Conditions:
Cardiovascular phenotype. Identifiers: MedGen CN230736.
ZNF469-related disorder. Also called: ZNF469-related condition.

gnomAD v4.1: 8 of 1,489,144 alleles (0.00054%); highest among the groups gnomAD compares: African/African-American, 0.0015%; no homozygotes.

Submissions (3):

Labcorp Genetics (formerly Invitae), Labcorp
Classification: Likely benign. Last evaluated: 2025-03-27. Review status: criteria provided, single submitter. Criteria: Invitae Variant Classification Sherloc (09022015). Collection method: clinical testing. Allele origin: germline.

Ambry Genetics
Classification: Likely benign for Cardiovascular phenotype. Last evaluated: 2022-04-19. Review status: criteria provided, single submitter. Criteria: Ambry Variant Classification Scheme 2023. Collection method: clinical testing. Allele origin: germline.

PreventionGenetics, part of Exact Sciences
Classification: Likely benign for ZNF469-related condition. Last evaluated: 2020-09-11. Review status: no assertion criteria provided. Collection method: clinical testing. Allele origin: germline. Not counted in ClinVar's aggregate classification.
Comment: This variant is classified as likely benign based on ACMG/AMP sequence variant interpretation guidelines (Richards et al. 2015 PMID: 25741868, with internal and published modifications).